The following is an entry in ClinVar:

ClinVar aggregate classification (germline): Uncertain significance (1 of 4 stars; one submission).

Conditions:
GLI2-related disorder. Also called: GLI2-related disorders; GLI2-related condition.

Allele frequency attached by ClinVar (database versions not stated): gnomAD 0.00002; gnomAD exomes 0.00002; TOPMed 0.00002.
gnomAD v4.1: 37 of 1,613,892 alleles (0.0023%); highest among the groups gnomAD compares: Non-Finnish European, 0.0031%; no homozygotes.

Submission:

PreventionGenetics, part of Exact Sciences
Classification: Uncertain significance for GLI2-related condition. Last evaluated: 2023-08-03. Review status: criteria provided, single submitter. Criteria: ACMG Guidelines, 2015. Collection method: clinical testing. Allele origin: germline.
Comment: The GLI2 c.2165A>G variant is predicted to result in the amino acid substitution p.His722Arg. To our knowledge, this variant has not been reported in the literature. This variant is reported in 0.0023% of alleles in individuals of European (Non-Finnish) descent in gnomAD. At this time, the clinical significance of this variant is uncertain due to the absence of conclusive functional and genetic evidence.

NM_001374353.1(GLI2):c.2114A>G (p.His705Arg)

Gene: GLI2 (GLI family zinc finger 2; plus strand). Cytogenetic location: 2q14.2.
Variant type: single nucleotide variant.
Coding change: c.2114A>G on transcript NM_001374353.1 (MANE Select); coding-DNA position 2114, A replaced by G.
Protein change: p.His705Arg; replaces histidine 705 with arginine.
Molecular consequence: missense variant.
Genome position (GRCh38, 1-based): chr2:120,986,486, A>G. VCF-style: chr2-120986486-A-G. GRCh37 (hg19) VCF-style: chr2-121744062-A-G.
Other names: c.2165A>G, p.His722Arg (NM_001371271.1, NM_005270.5); c.1739A>G, p.His580Arg (NM_001374354.1); short protein forms H580R, H705R, H722R.
Identifiers: ClinVar variation 2629552 (VCV002629552.1), dbSNP rs993816030, ClinGen allele CA54379881.